The following is an entry in ClinVar:

NM_025114.4(CEP290):c.2497del (p.Trp833fs)

Gene: CEP290 (centrosomal protein 290; minus strand). Cytogenetic location: 12q21.32.
Variant type: Deletion.
Coding change: c.2497del on transcript NM_025114.4 (MANE Select); coding-DNA position 2497, one base deleted (T; older notation c.2497delT).
Protein change: p.Trp833fs; shifts the reading frame from tryptophan 833.
Molecular consequence: frameshift variant.
Genome position (GRCh38, 1-based): chr12:88,107,085, A deleted on the plus strand (T on the coding strand, the reverse complement: CEP290 is on the minus strand). VCF-style (leftmost placement, unchanged base first): chr12-88107084-CA-C. GRCh37 (hg19) VCF-style: chr12-88500861-CA-C.
Other names: short protein forms W833fs.
Identifiers: ClinVar variation 1072058 (VCV001072058.7), dbSNP rs2137624524, ClinGen allele CA2499221876.
Genomic context (GRCh38, chr12:88,107,084, plus strand): 5'-TGTTGGACTTGATCCTCAAGTTTTCTCTTTTCCTCTTTTATTGTTTTAGATTCTGTTTTC[CA>C]GGTCTCCTTTTCACTAAAAACAAAACAAAACAAAAAGACAATACTGTAAACCTAATAAAA-3'

ClinVar aggregate classification (germline): Pathogenic (1 of 4 stars; one submission).

Conditions:
Joubert syndrome. Also called: Familial aplasia of the vermis; CEREBELLOPARENCHYMAL DISORDER IV; JOUBERT-BOLTSHAUSER SYNDROME. Identifiers: Orphanet 475, MedGen C5979921, MONDO:0018772.
Meckel-Gruber syndrome. Also called: Dysencephalia splachnocystica; DYSENCEPHALIA SPLANCHNOCYSTICA; GRUBER SYNDROME. Identifiers: Orphanet 564, MedGen C0265215, MONDO:0018921.
Nephronophthisis. Also called: Juvenile Nephronophthisis. Identifiers: Orphanet 655, MedGen C0687120, MONDO:0019005, HP:0000090.

Submission:

Labcorp Genetics (formerly Invitae), Labcorp
Classification: Pathogenic for Joubert syndrome; Meckel-Gruber syndrome; Nephronophthisis. Last evaluated: 2020-05-21. Review status: criteria provided, single submitter. Criteria: Invitae Variant Classification Sherloc (09022015). Collection method: clinical testing. Allele origin: germline.
Comment: For these reasons, this variant has been classified as Pathogenic. Loss-of-function variants in CEP290 are known to be pathogenic (PMID: 16909394, 17345604, 20690115, 25377065, 28559085). This variant has not been reported in the literature in individuals with CEP290-related conditions. This variant is not present in population databases (ExAC no frequency). This sequence change creates a premature translational stop signal (p.Trp833Glyfs*8) in the CEP290 gene. It is expected to result in an absent or disrupted protein product.

Literature cited by the submitters: PubMed 16909394; PubMed 17345604; PubMed 20690115; PubMed 25377065; PubMed 28559085.